The following is an entry in ClinVar:

NM_000350.3(ABCA4):c.66+2T>C

Gene: ABCA4 (ATP binding cassette subfamily A member 4; minus strand). Cytogenetic location: 1p22.1.
Variant type: single nucleotide variant.
Coding change: c.66+2T>C on transcript NM_000350.3 (MANE Select); the canonical splice donor site of the intron after coding-DNA position 66, T replaced by C.
Molecular consequence: splice donor variant.
Genome position (GRCh38, 1-based): chr1:94,120,978, A>G on the plus strand (T>C on the coding strand, the complement: ABCA4 is on the minus strand). VCF-style: chr1-94120978-A-G. GRCh37 (hg19) VCF-style: chr1-94586534-A-G.
Identifiers: ClinVar variation 2706346 (VCV002706346.3), dbSNP rs2524047809, ClinGen allele CA341288467.
Genomic context (GRCh38, chr1:94,120,978, plus strand): 5'-ACACTTCCAACCTGTTTATTTGCTCCACACCTCATTTTTAAACCACAGACAGTAACTGTT[A>G]CCTTTTGCCTTTTCCGCAGGGTCCAGTTCTTCCAGAGCAAAAGCTGTATCTGTCTCACGA-3'

ClinVar aggregate classification (germline): Likely pathogenic (1 of 4 stars; one submission).

Submission:

Labcorp Genetics (formerly Invitae), Labcorp
Classification: Likely pathogenic. Last evaluated: 2023-12-30. Review status: criteria provided, single submitter. Criteria: Invitae Variant Classification Sherloc (09022015). Collection method: clinical testing. Allele origin: germline.
Comment: This sequence change affects a donor splice site in intron 1 of the ABCA4 gene. It is expected to disrupt RNA splicing. Variants that disrupt the donor or acceptor splice site typically lead to a loss of protein function (PMID: 16199547), and loss-of-function variants in ABCA4 are known to be pathogenic (PMID: 10958761, 24938718, 25312043, 26780318). This variant is not present in population databases (gnomAD no frequency). This variant has not been reported in the literature in individuals affected with ABCA4-related conditions. Algorithms developed to predict the effect of sequence changes on RNA splicing suggest that this variant may disrupt the consensus splice site. In summary, the currently available evidence indicates that the variant is pathogenic, but additional data are needed to prove that conclusively. Therefore, this variant has been classified as Likely Pathogenic.

Literature cited by the submitters: PubMed 16199547; PubMed 10958761; PubMed 24938718; PubMed 25312043; PubMed 26780318.